The following is an entry in ClinVar:

NM_133259.4(LRPPRC):c.372_375del (p.Leu124fs)

Gene: LRPPRC (leucine rich pentatricopeptide repeat containing; minus strand). Cytogenetic location: 2p21.
Variant type: Deletion.
Coding change: c.372_375del on transcript NM_133259.4 (MANE Select); coding-DNA positions 372 to 375, 4 bases deleted (GCTT; older notation c.372_375delGCTT).
Protein change: p.Leu124fs; shifts the reading frame from leucine 124.
Molecular consequence: frameshift variant.
Genome position (GRCh38, 1-based): chr2:43,979,920-43,979,923, AAGC deleted on the plus strand (GCTT on the coding strand, the reverse complement: LRPPRC is on the minus strand); deleting any 4 consecutive bases within chr2:43,979,920-43,979,926 gives the same sequence; the c. name uses the placement nearest the transcript's 3' end. VCF-style (leftmost placement, unchanged base first): chr2-43979919-GAAGC-G. GRCh37 (hg19) VCF-style: chr2-44207058-GAAGC-G.
Other names: short protein forms L124fs.
Identifiers: ClinVar variation 2133376 (VCV002133376.4), dbSNP rs2466685837, ClinGen allele CA2580066512.

ClinVar aggregate classification (germline): Pathogenic (1 of 4 stars; one submission).

Submission:

Labcorp Genetics (formerly Invitae), Labcorp
Classification: Pathogenic. Last evaluated: 2022-05-04. Review status: criteria provided, single submitter. Criteria: Invitae Variant Classification Sherloc (09022015). Collection method: clinical testing. Allele origin: germline.
Comment: This variant has not been reported in the literature in individuals affected with LRPPRC-related conditions. For these reasons, this variant has been classified as Pathogenic. This variant is not present in population databases (gnomAD no frequency). This sequence change creates a premature translational stop signal (p.Leu124Phefs*13) in the LRPPRC gene. It is expected to result in an absent or disrupted protein product. Loss-of-function variants in LRPPRC are known to be pathogenic (PMID: 26510951).

Literature cited by the submitters: PubMed 26510951.